The following is an entry in ClinVar:

ClinVar aggregate classification (germline): Uncertain significance. Review status: criteria provided, multiple submitters, no conflicts (2 of 4 stars). 2 submissions from 2 submitters: Uncertain significance (2). Last evaluated 2022-06-20.

Conditions:
Complement component 5 deficiency. Also called: C5 DEFICIENCY. Identifiers: MedGen C0343047, MONDO:0012295, OMIM 609536.
Eculizumab, poor response to. Identifiers: MedGen C3810402, OMIM 615749.

Allele frequency attached by ClinVar (database versions not stated): gnomAD exomes below 0.00001.
gnomAD v4.1: 2 of 1,614,180 alleles (0.00012%); highest among the groups gnomAD compares: Non-Finnish European, 0.00017%; no homozygotes.

Submissions (2):

Labcorp Genetics (formerly Invitae), Labcorp
Classification: Uncertain significance. Last evaluated: 2022-06-20. Review status: criteria provided, single submitter. Criteria: Invitae Variant Classification Sherloc (09022015). Collection method: clinical testing. Allele origin: germline.
Comment: In summary, the available evidence is currently insufficient to determine the role of this variant in disease. Therefore, it has been classified as a Variant of Uncertain Significance. Algorithms developed to predict the effect of missense changes on protein structure and function (SIFT, PolyPhen-2, Align-GVGD) all suggest that this variant is likely to be tolerated. This variant has not been reported in the literature in individuals affected with C5-related conditions. This variant is not present in population databases (gnomAD no frequency). This sequence change replaces glutamine, which is neutral and polar, with arginine, which is basic and polar, at codon 876 of the C5 protein (p.Gln876Arg).

Fulgent Genetics
Classification: Uncertain significance for Complement component 5 deficiency; Eculizumab, poor response to. Last evaluated: 2022-04-20. Review status: criteria provided, single submitter. Criteria: ACMG Guidelines, 2015. Collection method: clinical testing. Allele origin: unknown.

NM_001735.3(C5):c.2627A>G (p.Gln876Arg)

Gene: C5 (complement C5; minus strand). Cytogenetic location: 9q33.2.
Variant type: single nucleotide variant.
Coding change: c.2627A>G on transcript NM_001735.3 (MANE Select); coding-DNA position 2627, A replaced by G.
Protein change: p.Gln876Arg; replaces glutamine 876 with arginine.
Molecular consequence: missense variant.
Genome position (GRCh38, 1-based): chr9:120,997,710, T>C on the plus strand (A>G on the coding strand, the complement: C5 is on the minus strand). VCF-style: chr9-120997710-T-C. GRCh37 (hg19) VCF-style: chr9-123759988-T-C.
Other names: c.2645A>G, p.Gln882Arg (NM_001317163.2); short protein forms Q876R, Q882R.
Identifiers: ClinVar variation 1466458 (VCV001466458.9), dbSNP rs2047128695, ClinGen allele CA374737183.